The following is an entry in ClinVar:

ClinVar aggregate classification (germline): Pathogenic (1 of 4 stars; one submission).

Conditions:
Familial adenomatous polyposis 1 (FAP1). Also called: FAMILIAL ADENOMATOUS POLYPOSIS 1, ATTENUATED; POLYPOSIS, ADENOMATOUS INTESTINAL. Identifiers: MedGen C2713442, MONDO:0021056, OMIM 175100. Disease mechanism: loss of function.

Submission:

Myriad Genetics, Inc.
Classification: Pathogenic for Familial adenomatous polyposis 1. Last evaluated: 2023-08-08. Review status: criteria provided, single submitter. Criteria: Myriad Autosomal Dominant, Autosomal Recessive and X-Linked Classification Criteria (2023). Collection method: clinical testing. Allele origin: unknown.
Comment: This variant is considered pathogenic. This variant creates a frameshift predicted to result in premature protein truncation.

NM_000038.6(APC):c.4147dup (p.Met1383fs)

Gene: APC (APC regulator of Wnt signaling pathway; plus strand). Cytogenetic location: 5q22.2.
Variant type: Duplication.
Coding change: c.4147dup on transcript NM_000038.6 (MANE Select); coding-DNA position 4147, one base duplicated (A; older notation c.4147dupA).
Protein change: p.Met1383fs; shifts the reading frame from methionine 1383.
Molecular consequence: frameshift variant. On other transcripts: non-coding transcript variant (2).
Genome position (GRCh38, 1-based): chr5:112,839,741, A duplicated. VCF-style (leftmost placement, unchanged base first): chr5-112839740-C-CA. GRCh37 (hg19) VCF-style: chr5-112175437-C-CA.
Other names: c.4147dup, p.Met1383fs (NM_001127510.3, NM_001354895.2, NM_001407450.1); c.4093dup, p.Met1365fs (NM_001127511.3); c.4201dup, p.Met1401fs (NM_001354896.2, NM_001407447.1, NM_001407448.1 and 1 more transcripts); c.4177dup, p.Met1393fs (NM_001354897.2); c.4072dup, p.Met1358fs (NM_001354898.2); c.4063dup, p.Met1355fs (NM_001354899.2); c.4024dup, p.Met1342fs (NM_001354900.2); c.3970dup, p.Met1324fs (NM_001354901.2, NM_001407453.1); and 11 more; short protein forms M1100fs, M1223fs, M1254fs, M1257fs, M1282fs, M1292fs, M1300fs, M1324fs.
Identifiers: ClinVar variation 2673575 (VCV002673575.1), dbSNP rs2533552213, ClinGen allele CA445964154.